The following is an entry in ClinVar:

NM_003482.4(KMT2D):c.2242G>C (p.Glu748Gln)

Gene: KMT2D (lysine methyltransferase 2D; minus strand). Cytogenetic location: 12q13.12.
Variant type: single nucleotide variant.
Coding change: c.2242G>C on transcript NM_003482.4 (MANE Select); coding-DNA position 2242, G replaced by C.
Protein change: p.Glu748Gln; replaces glutamic acid 748 with glutamine.
Molecular consequence: missense variant.
Genome position (GRCh38, 1-based): chr12:49,051,441, C>G on the plus strand (G>C on the coding strand, the complement: KMT2D is on the minus strand). VCF-style: chr12-49051441-C-G. GRCh37 (hg19) VCF-style: chr12-49445224-C-G.
Other names: short protein forms E748Q.
Identifiers: ClinVar variation 3669545 (VCV003669545.2).

ClinVar aggregate classification (germline): Uncertain significance (1 of 4 stars; one submission).

Conditions:
Kabuki syndrome. Also called: Kabuki make-up syndrome; NIIKAWA-KUROKI SYNDROME. Identifiers: Orphanet 2322, MedGen C0796004, MONDO:0016512.

Submission:

Labcorp Genetics (formerly Invitae), Labcorp
Classification: Uncertain significance for Kabuki syndrome. Last evaluated: 2024-05-21. Review status: criteria provided, single submitter. Criteria: Invitae Variant Classification Sherloc (09022015). Collection method: clinical testing. Allele origin: germline.
Comment: This sequence change replaces glutamic acid, which is acidic and polar, with glutamine, which is neutral and polar, at codon 748 of the KMT2D protein (p.Glu748Gln). This variant is not present in population databases (gnomAD no frequency). This variant has not been reported in the literature in individuals affected with KMT2D-related conditions. Advanced modeling of protein sequence and biophysical properties (such as structural, functional, and spatial information, amino acid conservation, physicochemical variation, residue mobility, and thermodynamic stability) performed at Invitae indicates that this missense variant is not expected to disrupt KMT2D protein function with a negative predictive value of 95%. In summary, the available evidence is currently insufficient to determine the role of this variant in disease. Therefore, it has been classified as a Variant of Uncertain Significance.